The following is an entry in ClinVar:

NM_001142.2(AMELX):c.167C>T (p.Pro56Leu)

Genes: ARHGAP6 (Rho GTPase activating protein 6; minus strand), AMELX (amelogenin X-linked; plus strand). Cytogenetic location: Xp22.2.
Variant type: single nucleotide variant.
Coding change: c.167C>T on transcript NM_001142.2 (MANE Select); coding-DNA position 167, C replaced by T.
Protein change: p.Pro56Leu; replaces proline 56 with leucine.
Molecular consequence: missense variant. On other transcripts: intron variant (3).
Genome position (GRCh38, 1-based): chrX:11,298,570, C>T. VCF-style: chrX-11298570-C-T. GRCh37 (hg19) VCF-style: chrX-11316690-C-T.
Other names: c.209C>T, p.Pro70Leu (NM_182680.1); c.119C>T, p.Pro40Leu (NM_182681.1); c.589-43863G>A (NM_013427.3, NM_006125.3); c.49-43863G>A (NM_001287242.2); short protein forms P40L, P56L, P70L.
Identifiers: ClinVar variation 3256889 (VCV003256889.1).

ClinVar aggregate classification (germline): Pathogenic (1 of 4 stars; one submission).

Conditions:
Amelogenesis imperfecta type 1E. Also called: Amelogenesis Imperfecta, Hypoplastic/Hypomaturation, X-Linked 1; Amelogenesis imperfecta X-linked 1; Enamel hypoplasia X-linked; Amelogenesis imperfecta, hypomaturation type, with snow-capped teeth; ENAMEL HYPOPLASIA, X-LINKED 1. Identifiers: Orphanet 88661, MedGen C1845053, MONDO:0010521, OMIM 301200. Disease mechanism: loss of function.

Submission:

MVZ Medizinische Genetik Mainz
Classification: Pathogenic for Amelogenesis imperfecta type 1E. Last evaluated: 2024-04-16. Review status: criteria provided, single submitter. Criteria: UK Practice Guidelines For Variant Classification V4 01 2020. Collection method: clinical testing. Allele origin: germline. Inheritance: Autosomal dominant inheritance. Affected: yes. Observed: 1 variant allele.
Comment: ACMG Criteria: PS4,PP1_STR,PP3_MOD,PS3_SUP,PM2_SUP